The following is an entry in ClinVar:

ClinVar aggregate classification (germline): Likely benign (1 of 4 stars; one submission).

Allele frequency attached by ClinVar (database versions not stated): ExAC 0.00005; gnomAD 0.00010.

Submission:

CeGaT Center for Human Genetics Tuebingen
Classification: Likely benign. Last evaluated: 2025-06-01. Review status: criteria provided, single submitter. Criteria: CeGaT Center For Human Genetics Tuebingen Variant Classification Criteria Version 2. Collection method: clinical testing. Allele origin: germline. Affected: yes. Observed: 3 variant alleles.
Comment: DSPP: BP4, BP7

NM_014208.3(DSPP):c.3201T>C (p.Ser1067=)

Genes: DMP1-AS1 (DMP1 and DSPP antisense RNA 1; minus strand), DSPP (dentin sialophosphoprotein; plus strand). Cytogenetic location: 4q22.1.
Variant type: single nucleotide variant.
Coding change: c.3201T>C on transcript NM_014208.3 (MANE Select); coding-DNA position 3201, T replaced by C.
Protein change: p.Ser1067=; no amino-acid change (serine 1067 retained).
Molecular consequence: synonymous variant.
Genome position (GRCh38, 1-based): chr4:87,615,863, T>C. VCF-style: chr4-87615863-T-C. GRCh37 (hg19) VCF-style: chr4-88537015-T-C.
Identifiers: ClinVar variation 3025719 (VCV003025719.22), dbSNP rs777438479, ClinGen allele CA3001458.
Genomic context (GRCh38, chr4:87,615,863, plus strand): 5'-TAGCAGTGACAGCAGTGACAGCAGCAATAGCAGTGACAGCAGTGACAGCAGCGACAGCAG[T>C]GATAGCAGTGACAGCAGTGACAGCAGCGACAGCAGTGATAGCAGTGAAAGCAGTGATAGC-3'
Protein context (NP_055023.2, residues 1057-1077): SSDSSDSSDS[Ser1067=]DSSDSSDSSD